The following is an entry in ClinVar:

NM_001621.5(AHR):c.1192C>T (p.Arg398Ter)

Gene: AHR (aryl hydrocarbon receptor; plus strand). Cytogenetic location: 7p21.1.
Variant type: single nucleotide variant.
Coding change: c.1192C>T on transcript NM_001621.5 (MANE Select); coding-DNA position 1192, C replaced by T.
Protein change: p.Arg398Ter; replaces arginine 398 with a stop codon.
Molecular consequence: nonsense.
Genome position (GRCh38, 1-based): chr7:17,339,017, C>T. VCF-style: chr7-17339017-C-T. GRCh37 (hg19) VCF-style: chr7-17378641-C-T.
Other names: short protein forms R398*.
Identifiers: ClinVar variation 1356494 (VCV001356494.6), dbSNP rs61730147, ClinGen allele CA366893214.

ClinVar aggregate classification (germline): Pathogenic (1 of 4 stars; one submission).

gnomAD v4.1: 6 of 1,613,668 alleles (0.00037%); highest among the groups gnomAD compares: Admixed American, 0.0017%; no homozygotes.

Submission:

Labcorp Genetics (formerly Invitae), Labcorp
Classification: Pathogenic. Last evaluated: 2025-02-10. Review status: criteria provided, single submitter. Criteria: Invitae Variant Classification Sherloc (09022015). Collection method: clinical testing. Allele origin: germline.
Comment: This sequence change creates a premature translational stop signal (p.Arg398*) in the AHR gene. It is expected to result in an absent or disrupted protein product. Loss-of-function variants in AHR are known to be pathogenic (PMID: 24106308, 28851966, 29726989, 31009037). This variant is not present in population databases (gnomAD no frequency). This variant has not been reported in the literature in individuals affected with AHR-related conditions. ClinVar contains an entry for this variant (Variation ID: 1356494). For these reasons, this variant has been classified as Pathogenic.

Literature cited by the submitters: PubMed 24106308; PubMed 28851966; PubMed 29726989; PubMed 31009037.